The following is an entry in ClinVar:

NM_018089.3(ANKZF1):c.535dup (p.Arg179fs)

Gene: ANKZF1 (ankyrin repeat and zinc finger peptidyl tRNA hydrolase 1; plus strand). Cytogenetic location: 2q35.
Variant type: Duplication.
Coding change: c.535dup on transcript NM_018089.3 (MANE Select); coding-DNA position 535, one base duplicated (C; older notation c.535dupC).
Protein change: p.Arg179fs; shifts the reading frame from arginine 179.
Molecular consequence: frameshift variant. On other transcripts: 5 prime UTR variant (1).
Genome position (GRCh38, 1-based): chr2:219,232,660, C duplicated; the last of 2 consecutive C bases (chr2:219,232,659-219,232,660); duplicating either gives the same sequence. VCF-style (leftmost placement, unchanged base first): chr2-219232658-A-AC. GRCh37 (hg19) VCF-style: chr2-220097380-A-AC.
Other names: c.535dup, p.Arg179fs (NM_001042410.2); c.-96dup (NM_001282792.2); short protein forms R179fs.
Identifiers: ClinVar variation 2904449 (VCV002904449.3), dbSNP rs757529401, ClinGen allele CA2120767.

ClinVar aggregate classification (germline): Uncertain significance (1 of 4 stars; one submission).

Submission:

Labcorp Genetics (formerly Invitae), Labcorp
Classification: Uncertain significance. Last evaluated: 2025-03-05. Review status: criteria provided, single submitter. Criteria: Invitae Variant Classification Sherloc (09022015). Collection method: clinical testing. Allele origin: germline.
Comment: This sequence change creates a premature translational stop signal (p.Arg179Profs*24) in the ANKZF1 gene. It is expected to result in an absent or disrupted protein product. However, the current clinical and genetic evidence is not sufficient to establish whether loss-of-function variants in ANKZF1 cause disease. This variant is present in population databases (rs757529401, gnomAD 0.06%), and has an allele count higher than expected for a pathogenic variant. This variant has not been reported in the literature in individuals affected with ANKZF1-related conditions. ClinVar contains an entry for this variant (Variation ID: 2904449). In summary, the available evidence is currently insufficient to determine the role of this variant in disease. Therefore, it has been classified as a Variant of Uncertain Significance.